The following is an entry in ClinVar:

NM_001165963.4(SCN1A):c.1805A>G (p.Glu602Gly)

Gene: SCN1A (sodium voltage-gated channel alpha subunit 1; minus strand). Cytogenetic location: 2q24.3.
Variant type: single nucleotide variant.
Coding change: c.1805A>G on transcript NM_001165963.4 (MANE Select); coding-DNA position 1805, A replaced by G.
Protein change: p.Glu602Gly; replaces glutamic acid 602 with glycine.
Molecular consequence: missense variant. On other transcripts: 5 prime UTR variant (1), non-coding transcript variant (1).
Genome position (GRCh38, 1-based): chr2:166,043,907, T>C on the plus strand (A>G on the coding strand, the complement: SCN1A is on the minus strand). VCF-style: chr2-166043907-T-C. GRCh37 (hg19) VCF-style: chr2-166900417-T-C.
Other names: c.1805A>G, p.Glu602Gly (NM_001165964.3, NM_001202435.3, NM_001353948.2 and 7 more transcripts); c.1802A>G, p.Glu601Gly (NM_001353954.2, NM_001353955.2, NM_001353960.2); c.-621A>G (NM_001353961.2); short protein forms E601G, E602G.
Identifiers: ClinVar variation 1377042 (VCV001377042.7), dbSNP rs2105843593, ClinGen allele CA349067605.

ClinVar aggregate classification (germline): Uncertain significance (1 of 4 stars; one submission).

Conditions:
Early-infantile DEE. Also called: Early infantile epileptic encephalopathy with suppression bursts; Early infantile epileptic encephalopathy; Ohtahara syndrome. Identifiers: Orphanet 1934, MedGen C0393706, MONDO:0800491.

Submission:

Labcorp Genetics (formerly Invitae), Labcorp
Classification: Uncertain significance for Early-infantile DEE. Last evaluated: 2022-06-13. Review status: criteria provided, single submitter. Criteria: Invitae Variant Classification Sherloc (09022015). Collection method: clinical testing. Allele origin: germline.
Comment: This variant has not been reported in the literature in individuals affected with SCN1A-related conditions. This variant is not present in population databases (gnomAD no frequency). This sequence change replaces glutamic acid, which is acidic and polar, with glycine, which is neutral and non-polar, at codon 602 of the SCN1A protein (p.Glu602Gly). In summary, the available evidence is currently insufficient to determine the role of this variant in disease. Therefore, it has been classified as a Variant of Uncertain Significance. Advanced modeling of protein sequence and biophysical properties (such as structural, functional, and spatial information, amino acid conservation, physicochemical variation, residue mobility, and thermodynamic stability) performed at Invitae indicates that this missense variant is not expected to disrupt SCN1A protein function.